The following is an entry in ClinVar:

ClinVar aggregate classification (germline): Conflicting classifications of pathogenicity. Review status: criteria provided, conflicting classifications (1 of 4 stars). 4 submissions from 4 submitters: Uncertain significance (2); Likely benign (2). Last evaluated 2026-05-01.

Conditions:
Hereditary cancer-predisposing syndrome. Also called: Tumor predisposition; Hereditary neoplastic syndrome; Neoplastic Syndromes, Hereditary; Hereditary Cancer Syndrome. Identifiers: Orphanet 140162, MedGen C0027672, MeSH D009386, MONDO:0015356.
Renal cell carcinoma. Identifiers: Orphanet 217071, MedGen C0007134, MeSH D002292, MONDO:0005086, HP:0005584.
Papillary renal cell carcinoma type 1 (RCCP1). Also called: Renal adenocarcinoma; Renal cell carcinoma 1; Renal cell carcinoma, somatic; RENAL CELL CARCINOMA, PAPILLARY, 1, SOMATIC. Identifiers: Orphanet 47044, MedGen C1336839, OMIM 605074, HP:0011797.

Allele frequency attached by ClinVar (database versions not stated): gnomAD exomes below 0.00001; ExAC 0.00001.
gnomAD v4.1: 3 of 1,613,610 alleles (0.00019%); highest among the groups gnomAD compares: East Asian, 0.0022%; no homozygotes.

Submissions (4):

Ambry Genetics
Classification: Likely benign for Hereditary cancer-predisposing syndrome. Last evaluated: 2026-05-01. Review status: criteria provided, single submitter. Criteria: Ambry Variant Classification Scheme 2023. Collection method: clinical testing. Allele origin: germline.

Labcorp Genetics (formerly Invitae), Labcorp
Classification: Uncertain significance for Renal cell carcinoma. Last evaluated: 2025-06-22. Review status: criteria provided, single submitter. Criteria: Invitae Variant Classification Sherloc (09022015). Collection method: clinical testing. Allele origin: germline.
Comment: This sequence change falls in intron 13 of the MET gene. It does not directly change the encoded amino acid sequence of the MET protein. It affects a nucleotide within the consensus splice site. This variant is present in population databases (rs752292538, gnomAD 0.0009%). This variant has not been reported in the literature in individuals affected with MET-related conditions. ClinVar contains an entry for this variant (Variation ID: 485737). Variants that disrupt the consensus splice site are a relatively common cause of aberrant splicing (PMID: 17576681, 9536098). Algorithms developed to predict the effect of sequence changes on RNA splicing suggest that this variant is not likely to affect RNA splicing. In summary, the available evidence is currently insufficient to determine the role of this variant in disease. Therefore, it has been classified as a Variant of Uncertain Significance.

Center for Genomic Medicine, Rigshospitalet, Copenhagen University Hospital
Classification: Likely benign. Last evaluated: 2025-03-04. Review status: criteria provided, single submitter. Criteria: ACMG Guidelines, 2015. Collection method: clinical testing. Allele origin: germline.

Mendelics
Classification: Uncertain significance for Papillary renal cell carcinoma type 1. Last evaluated: 2019-05-28. Review status: criteria provided, single submitter. Criteria: Mendelics Assertion Criteria 2017. Collection method: clinical testing. Allele origin: unknown.

Literature cited by the submitters: PubMed 17576681 (cited by Labcorp Genetics (formerly Invitae), Labcorp); PubMed 9536098 (cited by Labcorp Genetics (formerly Invitae), Labcorp).

NM_000245.4(MET):c.2887+5A>T

Gene: MET (MET proto-oncogene, receptor tyrosine kinase; plus strand). Cytogenetic location: 7q31.2.
Variant type: single nucleotide variant.
Coding change: c.2887+5A>T on transcript NM_000245.4 (MANE Select); 5 bases into the intron after coding-DNA position 2887, A replaced by T.
Molecular consequence: intron variant.
Genome position (GRCh38, 1-based): chr7:116,771,659, A>T. VCF-style: chr7-116771659-A-T. GRCh37 (hg19) VCF-style: chr7-116411713-A-T.
Other names: c.2941+5A>T (LRG_662t1, NM_001127500.3); c.1597+5A>T (NM_001324402.2).
Identifiers: ClinVar variation 485737 (VCV000485737.14), dbSNP rs752292538, ClinGen allele CA4448594.
Genomic context (GRCh38, chr7:116,771,659, plus strand): 5'-ACTGTTATTACTACTTGGGTTTTTCCTGTGGCTGAAAAAGAGAAAGCAAATTAAAGGTGC[A>T]TTTTTGTTACTGTTCATTTTTAGAAGTTACCTTAAGAACACAGTCATTACAGTTTAAGAT-3'